The following is an entry in ClinVar:

NM_001146227.3(RPS20):c.387T>C (p.Thr129=)

Gene: RPS20 (ribosomal protein S20; minus strand). Cytogenetic location: 8q12.1.
Variant type: single nucleotide variant.
Coding change: c.387T>C on transcript NM_001146227.3; coding-DNA position 387, T replaced by C.
Protein change: p.Thr129=; no amino-acid change (threonine 129 retained).
Molecular consequence: synonymous variant.
Genome position (GRCh38, 1-based): chr8:56,069,780, A>G on the plus strand (T>C on the coding strand, the complement: RPS20 is on the minus strand). VCF-style: chr8-56069780-A-G. GRCh37 (hg19) VCF-style: chr8-56982339-A-G.
Identifiers: ClinVar variation 5042351 (VCV005042351.1).
Genomic context (GRCh38, chr8:56,069,780, plus strand): 5'-TGGCGGAGGAGAATGCAGTTAAAAAGGACATGTCCCCGGGGATTCGAATACACTTCTCAA[A>G]GTGTACTGCTGGCCCTCTGTATCCATGGGTTCTGCATCTGTAGATTCGATCAACTGTAGA-3'

ClinVar aggregate classification (germline): Benign (1 of 4 stars; one submission).

Conditions:
Familial colorectal cancer type X. Identifiers: Orphanet 440437, MedGen C3896578, MONDO:0018604.

Submission:

Myriad Genetics, Inc.
Classification: Benign for Familial colorectal cancer type X. Last evaluated: 2026-08-04. Review status: criteria provided, single submitter. Criteria: Myriad Autosomal Dominant, Autosomal Recessive and X-Linked Classification Criteria (2023). Collection method: clinical testing. Allele origin: unknown.
Comment: This variant is considered benign. This variant is a silent/synonymous amino acid change and it is not expected to impact splicing.